The following is an entry in ClinVar:

ClinVar aggregate classification (germline): Uncertain significance (1 of 4 stars; one submission).

gnomAD v4.1: 1 of 1,609,966 alleles (0.000062%); no homozygotes.

Submission:

Labcorp Genetics (formerly Invitae), Labcorp
Classification: Uncertain significance. Last evaluated: 2025-11-03. Review status: criteria provided, single submitter. Criteria: Invitae Variant Classification Sherloc (09022015). Collection method: clinical testing. Allele origin: germline.
Comment: This sequence change falls in intron 13 of the DDX58 gene. It does not directly change the encoded amino acid sequence of the DDX58 protein. It affects a nucleotide within the consensus splice site. This variant is not present in population databases (gnomAD no frequency). This variant has not been reported in the literature in individuals affected with DDX58-related conditions. ClinVar contains an entry for this variant (Variation ID: 2897305). Variants that disrupt the consensus splice site are a relatively common cause of aberrant splicing (PMID: 17576681, 9536098). Algorithms developed to predict the effect of sequence changes on RNA splicing suggest that this variant is not likely to affect RNA splicing. In summary, the available evidence is currently insufficient to determine the role of this variant in disease. Therefore, it has been classified as a Variant of Uncertain Significance.

Literature cited by the submitters: PubMed 17576681; PubMed 9536098.

NM_014314.4(RIGI):c.1923+6C>G

Gene: RIGI (RNA sensor RIG-I; minus strand). Cytogenetic location: 9p21.1.
Variant type: single nucleotide variant.
Coding change: c.1923+6C>G on transcript NM_014314.4 (MANE Select); 6 bases into the intron after coding-DNA position 1923, C replaced by G.
Molecular consequence: intron variant.
Genome position (GRCh38, 1-based): chr9:32,476,977, G>C on the plus strand (C>G on the coding strand, the complement: RIGI is on the minus strand). VCF-style: chr9-32476977-G-C. GRCh37 (hg19) VCF-style: chr9-32476975-G-C.
Other names: c.1314+6C>G (NM_001385912.1); c.1908+6C>G (NM_001385913.1); c.1917+6C>G (NM_001385907.1); c.1923+6C>G (NM_001385909.1); c.1479+6C>G (NM_001385914.1); c.1482+6C>G (NM_001385910.1).
Identifiers: ClinVar variation 2897305 (VCV002897305.3), dbSNP rs2489310783, ClinGen allele CA2689682096.